The following is an entry in ClinVar:

ClinVar aggregate classification (germline): Likely benign. Review status: criteria provided, multiple submitters, no conflicts (2 of 4 stars). 2 submissions from 2 submitters: Likely benign (2). Last evaluated 2023-07-06.

Allele frequency attached by ClinVar (database versions not stated): gnomAD 0.00003; gnomAD exomes 0.00003.
gnomAD v4.1: 54 of 1,549,656 alleles (0.0035%); highest among the groups gnomAD compares: East Asian, 0.01%; no homozygotes.

Submissions (2):

Blueprint Genetics
Classification: Likely benign. Last evaluated: 2023-07-06. Review status: criteria provided, single submitter. Criteria: ACMG Guidelines, 2015. Collection method: clinical testing. Allele origin: germline.

CeGaT Center for Human Genetics Tuebingen
Classification: Likely benign. Last evaluated: 2023-05-01. Review status: criteria provided, single submitter. Criteria: CeGaT Center For Human Genetics Tuebingen Variant Classification Criteria Version 2. Collection method: clinical testing. Allele origin: germline. Affected: yes. Observed: 1 variant allele.
Comment: SETD1A: BP4, BP7

NM_014712.3(SETD1A):c.4245C>T (p.Tyr1415=)

Gene: SETD1A (SET domain containing 1A, histone lysine methyltransferase; plus strand). Cytogenetic location: 16p11.2.
Variant type: single nucleotide variant.
Coding change: c.4245C>T on transcript NM_014712.3 (MANE Select); coding-DNA position 4245, C replaced by T.
Protein change: p.Tyr1415=; no amino-acid change (tyrosine 1415 retained).
Molecular consequence: synonymous variant.
Genome position (GRCh38, 1-based): chr16:30,980,031, C>T. VCF-style: chr16-30980031-C-T. GRCh37 (hg19) VCF-style: chr16-30991352-C-T.
Identifiers: ClinVar variation 2570941 (VCV002570941.28), dbSNP rs375584016, ClinGen allele CA280553417.